The following is an entry in ClinVar:

ClinVar aggregate classification (germline): Uncertain significance (1 of 4 stars; one submission).

gnomAD v4.1: 3 of 1,542,074 alleles (0.00019%); highest among the groups gnomAD compares: Non-Finnish European, 0.00026%; no homozygotes.

Submission:

Labcorp Genetics (formerly Invitae), Labcorp
Classification: Uncertain significance. Last evaluated: 2025-08-09. Review status: criteria provided, single submitter. Criteria: Invitae Variant Classification Sherloc (09022015). Collection method: clinical testing. Allele origin: germline.
Comment: This sequence change replaces aspartic acid, which is acidic and polar, with glycine, which is neutral and non-polar, at codon 1395 of the DCHS1 protein (p.Asp1395Gly). This variant is not present in population databases (gnomAD no frequency). This variant has not been reported in the literature in individuals affected with DCHS1-related conditions. Invitae Evidence Modeling of protein sequence and biophysical properties (such as structural, functional, and spatial information, amino acid conservation, physicochemical variation, residue mobility, and thermodynamic stability) indicates that this missense variant is not expected to disrupt DCHS1 protein function with a negative predictive value of 80%. In summary, the available evidence is currently insufficient to determine the role of this variant in disease. Therefore, it has been classified as a Variant of Uncertain Significance.

NM_003737.4(DCHS1):c.4184A>G (p.Asp1395Gly)

Gene: DCHS1 (dachsous cadherin-related 1; minus strand). Cytogenetic location: 11p15.4.
Variant type: single nucleotide variant.
Coding change: c.4184A>G on transcript NM_003737.4 (MANE Select); coding-DNA position 4184, A replaced by G.
Protein change: p.Asp1395Gly; replaces aspartic acid 1395 with glycine.
Molecular consequence: missense variant.
Genome position (GRCh38, 1-based): chr11:6,630,610, T>C on the plus strand (A>G on the coding strand, the complement: DCHS1 is on the minus strand). VCF-style: chr11-6630610-T-C. GRCh37 (hg19) VCF-style: chr11-6651841-T-C.
Other names: short protein forms D1395G.
Identifiers: ClinVar variation 4760515 (VCV004760515.1).